The following is an entry in ClinVar:

NM_004727.3(SLC24A1):c.1445G>A (p.Gly482Asp)

Gene: SLC24A1 (solute carrier family 24 member 1; plus strand). Cytogenetic location: 15q22.31.
Variant type: single nucleotide variant.
Coding change: c.1445G>A on transcript NM_004727.3 (MANE Select); coding-DNA position 1445, G replaced by A.
Protein change: p.Gly482Asp; replaces glycine 482 with aspartic acid.
Molecular consequence: missense variant.
Genome position (GRCh38, 1-based): chr15:65,625,525, G>A. VCF-style: chr15-65625525-G-A. GRCh37 (hg19) VCF-style: chr15-65917863-G-A.
Other names: c.1445G>A, p.Gly482Asp (NM_001301031.1, NM_001301032.1, NM_001301033.2); short protein forms G482D.
Identifiers: ClinVar variation 843907 (VCV000843907.7), dbSNP rs199589503, ClinGen allele CA7619908.

ClinVar aggregate classification (germline): Conflicting classifications of pathogenicity. Review status: criteria provided, conflicting classifications (1 of 4 stars). 2 submissions from 2 submitters: Uncertain significance (1); Likely benign (1). Last evaluated 2024-11-05.

Allele frequency attached by ClinVar (database versions not stated): TOPMed 0.00030; ESP Exome Variant Server 0.00039.
gnomAD v4.1: 72 of 1,614,036 alleles (0.0045%); highest among the groups gnomAD compares: African/African-American, 0.088%; no homozygotes.

Submissions (2):

Labcorp Genetics (formerly Invitae), Labcorp
Classification: Uncertain significance. Last evaluated: 2024-11-05. Review status: criteria provided, single submitter. Criteria: Invitae Variant Classification Sherloc (09022015). Collection method: clinical testing. Allele origin: germline.
Comment: This sequence change replaces glycine, which is neutral and non-polar, with aspartic acid, which is acidic and polar, at codon 482 of the SLC24A1 protein (p.Gly482Asp). This variant is present in population databases (rs199589503, gnomAD 0.1%). This variant has not been reported in the literature in individuals affected with SLC24A1-related conditions. ClinVar contains an entry for this variant (Variation ID: 843907). An algorithm developed to predict the effect of missense changes on protein structure and function outputs the following: PolyPhen-2: "Benign". The aspartic acid amino acid residue is found in multiple mammalian species, which suggests that this missense change does not adversely affect protein function. In summary, the available evidence is currently insufficient to determine the role of this variant in disease. Therefore, it has been classified as a Variant of Uncertain Significance.

Blueprint Genetics
Classification: Likely benign. Last evaluated: 2024-10-22. Review status: criteria provided, single submitter. Criteria: ACMG Guidelines, 2015. Collection method: clinical testing. Allele origin: germline.